The following is an entry in ClinVar:

ClinVar aggregate classification (germline): Uncertain significance (1 of 4 stars; one submission).

Conditions:
Neurofibromatosis, type 1 (NF1). Also called: Neurofibromatosis, type I; VON RECKLINGHAUSEN DISEASE; NEUROFIBROMATOSIS, TYPE I, SOMATIC; Peripheral type neurofibromatosis. Identifiers: Orphanet 636, MedGen C0027831, MONDO:0018975, OMIM 162200. Disease mechanism: loss of function.

Submission:

Labcorp Genetics (formerly Invitae), Labcorp
Classification: Uncertain significance for Neurofibromatosis, type 1. Last evaluated: 2025-10-21. Review status: criteria provided, single submitter. Criteria: Invitae Variant Classification Sherloc (09022015). Collection method: clinical testing. Allele origin: germline.
Comment: This sequence change replaces arginine, which is basic and polar, with lysine, which is basic and polar, at codon 2562 of the NF1 protein (p.Arg2562Lys). This variant is not present in population databases (gnomAD no frequency). This variant has not been reported in the literature in individuals affected with NF1-related conditions. ClinVar contains an entry for this variant (Variation ID: 1476706). Invitae Evidence Modeling of protein sequence and biophysical properties (such as structural, functional, and spatial information, amino acid conservation, physicochemical variation, residue mobility, and thermodynamic stability) indicates that this missense variant is not expected to disrupt NF1 protein function with a negative predictive value of 95%. In summary, the available evidence is currently insufficient to determine the role of this variant in disease. Therefore, it has been classified as a Variant of Uncertain Significance.

NM_001042492.3(NF1):c.7748G>A (p.Arg2583Lys)

Gene: NF1 (neurofibromin 1; plus strand). Cytogenetic location: 17q11.2.
Variant type: single nucleotide variant.
Coding change: c.7748G>A on transcript NM_001042492.3 (MANE Select); coding-DNA position 7748, G replaced by A.
Protein change: p.Arg2583Lys; replaces arginine 2583 with lysine.
Molecular consequence: missense variant.
Genome position (GRCh38, 1-based): chr17:31,356,969, G>A. VCF-style: chr17-31356969-G-A. GRCh37 (hg19) VCF-style: chr17-29683987-G-A.
Other names: c.7685G>A, p.Arg2562Lys (NM_000267.4); short protein forms R2583K, R2562K.
Identifiers: ClinVar variation 1476706 (VCV001476706.8), dbSNP rs2151582191, ClinGen allele CA399018334.
Genomic context (GRCh38, chr17:31,356,969, plus strand): 5'-TGAAGTGATTATCCAGGTGTTTGATCACGTTAATTCCCTATCTTGCTGCAGAAACTCAGA[G>A]GATTTCCTCATCACAACAGCACCCACATTTACGTAAAGTTTCAGTGTCTGAATCAAATGT-3'
Protein context (NP_001035957.1, residues 2573-2593): AETDYEMETQ[Arg2583Lys]ISSSQQHPHL